The following is an entry in ClinVar:

NM_001849.4(COL6A2):c.2750T>C (p.Val917Ala)

Gene: COL6A2 (collagen type VI alpha 2 chain; plus strand). Cytogenetic location: 21q22.3.
Variant type: single nucleotide variant.
Coding change: c.2750T>C on transcript NM_001849.4 (MANE Select); coding-DNA position 2750, T replaced by C.
Protein change: p.Val917Ala; replaces valine 917 with alanine.
Molecular consequence: missense variant.
Genome position (GRCh38, 1-based): chr21:46,132,242, T>C. VCF-style: chr21-46132242-T-C. GRCh37 (hg19) VCF-style: chr21-47552156-T-C.
Other names: short protein forms V917A.
Identifiers: ClinVar variation 2701076 (VCV002701076.2), dbSNP rs766272296, ClinGen allele CA10073005.

ClinVar aggregate classification (germline): Uncertain significance (1 of 4 stars; one submission).

Conditions:
Bethlem myopathy 1A. Also called: MYOPATHY, BENIGN CONGENITAL, WITH CONTRACTURES; Bethlem myopathy 1; Bethlem Muscular Dystrophy. Identifiers: Orphanet 610, MedGen CN029274, MONDO:0024530, OMIM 158810.

Allele frequency attached by ClinVar (database versions not stated): TOPMed below 0.00001; ExAC 0.00002.

Submission:

Labcorp Genetics (formerly Invitae), Labcorp
Classification: Uncertain significance for Bethlem myopathy 1A. Last evaluated: 2023-01-18. Review status: criteria provided, single submitter. Criteria: Invitae Variant Classification Sherloc (09022015). Collection method: clinical testing. Allele origin: germline.
Comment: This sequence change replaces valine, which is neutral and non-polar, with alanine, which is neutral and non-polar, at codon 917 of the COL6A2 protein (p.Val917Ala). The frequency data for this variant in the population databases is considered unreliable, as metrics indicate poor data quality at this position in the gnomAD database. This variant has not been reported in the literature in individuals affected with COL6A2-related conditions. Advanced modeling of protein sequence and biophysical properties (such as structural, functional, and spatial information, amino acid conservation, physicochemical variation, residue mobility, and thermodynamic stability) performed at Invitae indicates that this missense variant is not expected to disrupt COL6A2 protein function. In summary, the available evidence is currently insufficient to determine the role of this variant in disease. Therefore, it has been classified as a Variant of Uncertain Significance.